The following is an entry in ClinVar:

NM_003919.3(SGCE):c.391-1G>A

Genes: CASD1 (CAS1 domain sialic acid O acetyltransferase 1; plus strand), SGCE (sarcoglycan epsilon; minus strand). Cytogenetic location: 7q21.3.
Variant type: single nucleotide variant.
Coding change: c.391-1G>A on transcript NM_003919.3 (MANE Select); the canonical splice acceptor site of the intron before coding-DNA position 391, G replaced by A.
Molecular consequence: splice acceptor variant.
Genome position (GRCh38, 1-based): chr7:94,623,398, C>T on the plus strand (G>A on the coding strand, the complement: SGCE is on the minus strand). VCF-style: chr7-94623398-C-T. GRCh37 (hg19) VCF-style: chr7-94252710-C-T.
Other names: c.268-1G>A (NM_001362809.2, NM_001301139.2); c.391-1G>A (NM_001346717.2, NM_001099400.2, NM_001099401.2); c.499-1G>A (NM_001346715.2, NM_001346713.2); c.304-1G>A (NM_001362807.2, NM_001346719.2); c.118-1G>A (NM_001362808.2, NM_001346720.2).
Identifiers: ClinVar variation 1342071 (VCV001342071.14), dbSNP rs1803142505, ClinGen allele CA368236971.
Genomic context (GRCh38, chr7:94,623,398, plus strand): 5'-TATATTAATTATCAAATTATGCCTTGCAGTCTCAAAGGTGCGCCTGTTGTAGGCAGTTAT[C>T]TATTATAAAAGGAAAACCATATTAAAGAAGTGAAATGTTCTTTGTAAAATGAAATTCATT-3'

ClinVar aggregate classification (germline): Pathogenic. Review status: criteria provided, multiple submitters, no conflicts (2 of 4 stars). 3 submissions from 3 submitters: Pathogenic (3). Last evaluated 2023-11-10.

Conditions:
Myoclonic dystonia 11 (DYT11). Also called: Myoclonic dystonia; Dystonia 11; Dystonia, alcohol responsive; Hereditary essential myoclonus; SGCE Myoclonus-Dystonia; Myoclonus-Dystonia. Identifiers: Orphanet 36899, MedGen C1834570, MONDO:0008044, OMIM 159900.

Submissions (3):

Institute of Human Genetics Munich, TUM University Hospital
Classification: Pathogenic for Myoclonic dystonia 11. Last evaluated: 2023-11-10. Review status: criteria provided, single submitter. Criteria: Classification criteria August 2017. Collection method: clinical testing. Allele origin: paternal. Inheritance: Autosomal dominant inheritance. Affected: yes. Observed: 1 variant allele.

Labcorp Genetics (formerly Invitae), Labcorp
Classification: Pathogenic for Myoclonic dystonia 11. Last evaluated: 2022-10-28. Review status: criteria provided, single submitter. Criteria: Invitae Variant Classification Sherloc (09022015). Collection method: clinical testing. Allele origin: germline.
Comment: For these reasons, this variant has been classified as Pathogenic. Algorithms developed to predict the effect of sequence changes on RNA splicing suggest that this variant may disrupt the consensus splice site. ClinVar contains an entry for this variant (Variation ID: 1342071). Disruption of this splice site has been observed in individuals with clinical features of primary dystonia and/or myoclonus-dystonia (Invitae). This variant is not present in population databases (gnomAD no frequency). This sequence change affects an acceptor splice site in intron 3 of the SGCE gene. It is expected to disrupt RNA splicing. Variants that disrupt the donor or acceptor splice site typically lead to a loss of protein function (PMID: 16199547), and loss-of-function variants in SGCE are known to be pathogenic (PMID: 12821748, 15389977, 17853490, 24297365).

GeneDx
Classification: Pathogenic. Last evaluated: 2022-02-14. Review status: criteria provided, single submitter. Criteria: GeneDx Variant Classification Process June 2021. Collection method: clinical testing. Allele origin: germline. Affected: yes.
Comment: Canonical splice site variant predicted to result in a null allele in a gene for which loss-of-function is a known mechanism of disease; Not observed in large population cohorts (gnomAD); Has not been previously published as pathogenic or benign to our knowledge

Literature cited by the submitters: PubMed 16199547 (cited by Labcorp Genetics (formerly Invitae), Labcorp); PubMed 12821748 (cited by Labcorp Genetics (formerly Invitae), Labcorp); PubMed 15389977 (cited by Labcorp Genetics (formerly Invitae), Labcorp); PubMed 17853490 (cited by Labcorp Genetics (formerly Invitae), Labcorp); PubMed 24297365 (cited by Labcorp Genetics (formerly Invitae), Labcorp).